The following is an entry in ClinVar:

NM_001242957.3(MAK):c.1864del (p.Asn621_Leu622insTer)

Gene: MAK (male germ cell associated kinase; minus strand). Cytogenetic location: 6p24.2.
Variant type: Deletion.
Coding change: c.1864del on transcript NM_001242957.3 (MANE Select); coding-DNA position 1864, one base deleted (C; older notation c.1864delC).
Protein change: p.Asn621_Leu622insTer.
Molecular consequence: nonsense. On other transcripts: non-coding transcript variant (2).
Genome position (GRCh38, 1-based): chr6:10,764,535, G deleted on the plus strand (C on the coding strand, the reverse complement: MAK is on the minus strand); the first of 2 consecutive G bases (chr6:10,764,535-10,764,536); deleting either gives the same sequence. VCF-style (leftmost placement, unchanged base first): chr6-10764534-AG-A. GRCh37 (hg19) VCF-style: chr6-10764767-AG-A.
Other names: c.1669del, p.Asn556_Leu557insTer (NM_001242385.2); c.1567del, p.Asn522_Leu523insTer (NM_001377262.1); c.1789del, p.Asn596_Leu597insTer (NM_005906.6).
Identifiers: ClinVar variation 1379524 (VCV001379524.6), dbSNP rs1772217667, ClinGen allele CA1610131375.

ClinVar aggregate classification (germline): Uncertain significance (1 of 4 stars; one submission).

Submission:

Labcorp Genetics (formerly Invitae), Labcorp
Classification: Uncertain significance. Last evaluated: 2023-07-17. Review status: criteria provided, single submitter. Criteria: Invitae Variant Classification Sherloc (09022015). Collection method: clinical testing. Allele origin: germline.
Comment: This sequence change creates a premature translational stop signal (p.Leu622*) in the MAK gene. While this is not anticipated to result in nonsense mediated decay, it is expected to disrupt the last 27 amino acid(s) of the MAK protein. This variant is not present in population databases (gnomAD no frequency). This variant has not been reported in the literature in individuals affected with MAK-related conditions. ClinVar contains an entry for this variant (Variation ID: 1379524). Experimental studies and prediction algorithms are not available or were not evaluated, and the functional significance of this variant is currently unknown. In summary, the available evidence is currently insufficient to determine the role of this variant in disease. Therefore, it has been classified as a Variant of Uncertain Significance.